The following is an entry in ClinVar:

ClinVar aggregate classification (germline): Uncertain significance (1 of 4 stars; one submission).

Submission:

GeneDx
Classification: Uncertain significance. Last evaluated: 2025-03-13. Review status: criteria provided, single submitter. Criteria: GeneDx Variant Classification Process June 2021. Collection method: clinical testing. Allele origin: germline. Affected: yes.
Comment: Not observed at significant frequency in large population cohorts (gnomAD); Nonsense variant predicted to result in protein truncation as the last 13 amino acids are lost with an unclear effect on protein function; Has not been previously published as pathogenic or benign to our knowledge

NM_004699.4(FAM50A):c.981C>G (p.Tyr327Ter)

Gene: FAM50A (family with sequence similarity 50 member A; plus strand). Cytogenetic location: Xq28.
Variant type: single nucleotide variant.
Coding change: c.981C>G on transcript NM_004699.4 (MANE Select); coding-DNA position 981, C replaced by G.
Protein change: p.Tyr327Ter; replaces tyrosine 327 with a stop codon.
Molecular consequence: nonsense.
Genome position (GRCh38, 1-based): chrX:154,450,289, C>G. VCF-style: chrX-154450289-C-G. GRCh37 (hg19) VCF-style: chrX-153678637-C-G.
Other names: short protein forms Y327*.
Identifiers: ClinVar variation 4083319 (VCV004083319.1).